The following is an entry in ClinVar:

ClinVar aggregate classification (germline): Benign. Review status: criteria provided, single submitter (1 of 4 stars). 2 submissions from 1 submitter: Benign (2). Last evaluated 2018-01-13.

Conditions:
Familial spontaneous pneumothorax (PSP). Identifiers: Orphanet 2903, MedGen C1868193, MONDO:0008259, OMIM 173600.
Birt-Hogg-Dube syndrome. Also called: Birt Hogg Dubé syndrome. Identifiers: Orphanet 122, MedGen C0346010, MONDO:0800444.

Allele frequency attached by ClinVar (database versions not stated): gnomAD exomes 0.02801; 1000 Genomes Project 0.03794; 1000 Genomes Project 30x 0.04122; gnomAD 0.04347 and 0.04505; TOPMed 0.04786.
gnomAD v4.1: 7,690 of 191,454 alleles (4%); highest among the groups gnomAD compares: African/African-American, 9.5%; 264 homozygotes.

Submissions (2):

Illumina Laboratory Services, Illumina
Classification: Benign for Familial spontaneous pneumothorax. Last evaluated: 2018-01-13. Review status: criteria provided, single submitter. Criteria: ICSL Variant Classification Criteria 13 December 2019. Collection method: clinical testing. Allele origin: germline.
Comment: This variant was observed in the ICSL laboratory as part of a predisposition screen in an ostensibly healthy population. It had not been previously curated by ICSL or reported in the Human Gene Mutation Database (HGMD: prior to June 1st, 2018), and was therefore a candidate for classification through an automated scoring system. Utilizing variant allele frequency, disease prevalence and penetrance estimates, and inheritance mode, an automated score was calculated to assess if this variant is too frequent to cause the disease. Based on the score and internal cut-off values, a variant classified as benign is not then subjected to further curation. The score for this variant resulted in a classification of benign for this disease.

Illumina Laboratory Services, Illumina
Classification: Benign for Birt-Hogg-Dube syndrome 1. Last evaluated: 2018-01-13. Review status: criteria provided, single submitter. Criteria: ICSL Variant Classification Criteria 13 December 2019. Collection method: clinical testing. Allele origin: germline.
Comment: the same text as in the submission from Illumina Laboratory Services, Illumina above.

NM_144997.7(FLCN):c.*914C>T

Gene: FLCN (folliculin; minus strand). Cytogenetic location: 17p11.2.
Variant type: single nucleotide variant.
Coding change: c.*914C>T on transcript NM_144997.7 (MANE Select); 914 bases downstream of the stop codon, C replaced by T.
Molecular consequence: 3 prime UTR variant.
Genome position (GRCh38, 1-based): chr17:17,212,741, G>A on the plus strand (C>T on the coding strand, the complement: FLCN is on the minus strand). VCF-style: chr17-17212741-G-A. GRCh37 (hg19) VCF-style: chr17-17116055-G-A.
Other names: c.*914C>T (LRG_325t1, NM_001353229.2, NM_001353230.2 and 1 more transcripts).
Identifiers: ClinVar variation 322041 (VCV000322041.5), dbSNP rs7223831, ClinGen allele CA10644956.
Genomic context (GRCh38, chr17:17,212,741, plus strand): 5'-GAGGCTGAGGCAGGAGAATTGCTTGAACCCAGGAGGCAGAGGTTGCAGTGAGCCAAGATC[G>A]TGCCATTGCACTCCAGCCTGGGCAACAAGAGTGAAACTCCCTCTCAAAAAAAAAAGTACA-3'